The following is an entry in ClinVar:

ClinVar aggregate classification (germline): Uncertain significance (1 of 4 stars; one submission).

Conditions:
Ataxia-telangiectasia syndrome (AT). Also called: Ataxia-telangiectasia, complementation group D; AT, COMPLEMENTATION GROUP C; ATAXIA-TELANGIECTASIA, COMPLEMENTATION GROUP A; ATAXIA-TELANGIECTASIA, FRESNO VARIANT; Ataxia-telangiectasia; Cerebello-oculocutaneous telangiectasia. Identifiers: Orphanet 100, MedGen C0004135, MONDO:0008840, OMIM 208900.

Submission:

Labcorp Genetics (formerly Invitae), Labcorp
Classification: Uncertain significance for Ataxia-telangiectasia syndrome. Last evaluated: 2023-02-05. Review status: criteria provided, single submitter. Criteria: Invitae Variant Classification Sherloc (09022015). Collection method: clinical testing. Allele origin: germline.
Comment: This sequence change replaces valine, which is neutral and non-polar, with glutamic acid, which is acidic and polar, at codon 835 of the ATM protein (p.Val835Glu). This variant is not present in population databases (gnomAD no frequency). This variant has not been reported in the literature in individuals affected with ATM-related conditions. ClinVar contains an entry for this variant (Variation ID: 1008502). Algorithms developed to predict the effect of missense changes on protein structure and function (SIFT, PolyPhen-2, Align-GVGD) all suggest that this variant is likely to be tolerated. In summary, the available evidence is currently insufficient to determine the role of this variant in disease. Therefore, it has been classified as a Variant of Uncertain Significance.

NM_000051.4(ATM):c.2504T>A (p.Val835Glu)

Gene: ATM (ATM serine/threonine kinase; plus strand). Cytogenetic location: 11q22.3.
Variant type: single nucleotide variant.
Coding change: c.2504T>A on transcript NM_000051.4 (MANE Select); coding-DNA position 2504, T replaced by A.
Protein change: p.Val835Glu; replaces valine 835 with glutamic acid.
Molecular consequence: missense variant.
Genome position (GRCh38, 1-based): chr11:108,267,208, T>A. VCF-style: chr11-108267208-T-A. GRCh37 (hg19) VCF-style: chr11-108137935-T-A.
Other names: c.2504T>A, p.Val835Glu (NM_001351834.2); short protein forms V835E.
Identifiers: ClinVar variation 1008502 (VCV001008502.6), dbSNP rs765118015, ClinGen allele CA382543331.